The following is an entry in ClinVar:

NM_000256.3(MYBPC3):c.642C>A (p.Asp214Glu)

Gene: MYBPC3 (myosin binding protein C3; minus strand). Cytogenetic location: 11p11.2.
Variant type: single nucleotide variant.
Coding change: c.642C>A on transcript NM_000256.3 (MANE Select); coding-DNA position 642, C replaced by A.
Protein change: p.Asp214Glu; replaces aspartic acid 214 with glutamic acid.
Molecular consequence: missense variant.
Genome position (GRCh38, 1-based): chr11:47,349,786, G>T on the plus strand (C>A on the coding strand, the complement: MYBPC3 is on the minus strand). VCF-style: chr11-47349786-G-T. GRCh37 (hg19) VCF-style: chr11-47371337-G-T.
Other names: short protein forms D214E.
Identifiers: ClinVar variation 915514 (VCV000915514.4), dbSNP rs1294673404, ClinGen allele CA380337185.

ClinVar aggregate classification (germline): Uncertain significance. Review status: criteria provided, multiple submitters, no conflicts (2 of 4 stars). 2 submissions from 2 submitters: Uncertain significance (2). Last evaluated 2024-03-06.

Conditions:
Cardiomyopathy (CMYO). Also called: Cardiomyopathies. Identifiers: Orphanet 167848, MedGen C0878544, MONDO:0004994, HP:0001638. Inheritance: Various modes of inheritance.

Allele frequency attached by ClinVar (database versions not stated): gnomAD exomes below 0.00001.

Submissions (2):

Color Diagnostics, LLC DBA Color Health
Classification: Uncertain significance for Cardiomyopathy. Last evaluated: 2024-03-06. Review status: criteria provided, single submitter. Criteria: ACMG Guidelines, 2015. Collection method: clinical testing. Allele origin: germline.
Comment: This missense variant replaces aspartic acid with glutamic acid at codon 214 of the MYBPC3 protein. Computational prediction suggests that this variant may not impact protein structure and function (internally defined REVEL score threshold <= 0.5, PMID: 27666373). To our knowledge, functional studies have not been reported for this variant. This variant has not been reported in individuals affected with cardiovascular disorders in the literature. This variant has been identified in 1/241160 chromosomes in the general population by the Genome Aggregation Database (gnomAD). The available evidence is insufficient to determine the role of this variant in disease conclusively. Therefore, this variant is classified as a Variant of Uncertain Significance.

CHEO Genetics Diagnostic Laboratory, Children's Hospital of Eastern Ontario
Classification: Uncertain significance for Cardiomyopathy. Last evaluated: 2018-03-09. Review status: criteria provided, single submitter. Criteria: ACMG Guidelines, 2015. Collection method: clinical testing. Allele origin: germline.